The following is an entry in ClinVar:

ClinVar aggregate classification (germline): Pathogenic. Review status: criteria provided, multiple submitters, no conflicts (2 of 4 stars). 4 submissions from 4 submitters: Pathogenic (3). 1 of the submissions does not count toward it. Last evaluated 2024-11-21.

Conditions:
MAFB-related disorder. Also called: MAFB-related condition.
Multicentric carpo-tarsal osteolysis with or without nephropathy. Also called: MULTICENTRIC OSTEOLYSIS, AUTOSOMAL DOMINANT; OSTEOLYSIS, HEREDITARY, OF CARPAL BONES WITH OR WITHOUT NEPHROPATHY; Carnevale Canun Mendoza syndrome; Multicentric Carpotarsal Osteolysis with or without Nephropathy; Multicentric Osteolysis of Carpal Bones and Nephropathy; MULTICENTRIC CARPOTARSAL OSTEOLYSIS SYNDROME. Identifiers: Orphanet 2774, MedGen C2674705, MONDO:0008152, OMIM 166300.

Submissions (4):

Blueprint Genetics
Classification: Pathogenic for MAFB-related disorders. Last evaluated: 2024-11-21. Review status: criteria provided, single submitter. Criteria: ACMG Guidelines, 2015. Collection method: clinical testing. Allele origin: germline. Affected: yes. Observed: 1 variant allele.

Labcorp Genetics (formerly Invitae), Labcorp
Classification: Pathogenic. Last evaluated: 2023-06-27. Review status: criteria provided, single submitter. Criteria: Invitae Variant Classification Sherloc (09022015). Collection method: clinical testing. Allele origin: germline.
Comment: For these reasons, this variant has been classified as Pathogenic. Advanced modeling of protein sequence and biophysical properties (such as structural, functional, and spatial information, amino acid conservation, physicochemical variation, residue mobility, and thermodynamic stability) has been performed at Invitae for this missense variant, however the output from this modeling did not meet the statistical confidence thresholds required to predict the impact of this variant on MAFB protein function. ClinVar contains an entry for this variant (Variation ID: 30773). This missense change has been observed in individual(s) with autosomal dominant multicentric carpotarsal osteolysis syndrome (PMID: 22387013, 29120020, 35221875). In at least one individual the variant was observed to be de novo. It has also been observed to segregate with disease in related individuals. This variant is not present in population databases (gnomAD no frequency). This sequence change replaces serine, which is neutral and polar, with leucine, which is neutral and non-polar, at codon 54 of the MAFB protein (p.Ser54Leu).

Eurofins Ntd Llc (ga)
Classification: Pathogenic. Last evaluated: 2014-09-19. Review status: criteria provided, single submitter. Criteria: EGL Classification Definitions 2015. Collection method: clinical testing. Allele origin: germline. Observed: 2 variant alleles, 2 heterozygotes.

OMIM
Classification: Pathogenic for MULTICENTRIC CARPOTARSAL OSTEOLYSIS SYNDROME. Last evaluated: 2012-03-09. Review status: no assertion criteria provided. Collection method: literature only. Allele origin: germline. Not counted in ClinVar's aggregate classification.

Literature cited by the submitters: PubMed 22387013 (cited by Labcorp Genetics (formerly Invitae), Labcorp and OMIM); PubMed 29120020 (cited by Labcorp Genetics (formerly Invitae), Labcorp); PubMed 35221875 (cited by Labcorp Genetics (formerly Invitae), Labcorp).

NM_005461.5(MAFB):c.161C>T (p.Ser54Leu)

Gene: MAFB (MAF bZIP transcription factor B; minus strand). Cytogenetic location: 20q12.
Variant type: single nucleotide variant.
Coding change: c.161C>T on transcript NM_005461.5 (MANE Select); coding-DNA position 161, C replaced by T.
Protein change: p.Ser54Leu; replaces serine 54 with leucine.
Molecular consequence: missense variant.
Genome position (GRCh38, 1-based): chr20:40,688,690, G>A on the plus strand (C>T on the coding strand, the complement: MAFB is on the minus strand). VCF-style: chr20-40688690-G-A. GRCh37 (hg19) VCF-style: chr20-39317330-G-A.
Other names: short protein forms S54L.
Identifiers: ClinVar variation 30773 (VCV000030773.11), dbSNP rs730880014, ClinGen allele CA213039.